The following is an entry in ClinVar:

NM_002847.5(PTPRN2):c.590C>G (p.Ala197Gly)

Gene: PTPRN2 (protein tyrosine phosphatase receptor type N2; minus strand). Cytogenetic location: 7q36.3.
Variant type: single nucleotide variant.
Coding change: c.590C>G on transcript NM_002847.5 (MANE Select); coding-DNA position 590, C replaced by G.
Protein change: p.Ala197Gly; replaces alanine 197 with glycine.
Molecular consequence: missense variant.
Genome position (GRCh38, 1-based): chr7:158,167,251, G>C on the plus strand (C>G on the coding strand, the complement: PTPRN2 is on the minus strand). VCF-style: chr7-158167251-G-C. GRCh37 (hg19) VCF-style: chr7-157959943-G-C.
Other names: c.476C>G, p.Ala159Gly (NM_001308267.2); c.659C>G, p.Ala220Gly (NM_001308268.2); c.539C>G, p.Ala180Gly (NM_130842.4); c.590C>G, p.Ala197Gly (NM_130843.4); short protein forms A220G, A180G, A197G, A159G.
Identifiers: ClinVar variation 709903 (VCV000709903.29), dbSNP rs140999965, ClinGen allele CA4591889.

ClinVar aggregate classification (germline): Likely benign. Review status: criteria provided, multiple submitters, no conflicts (2 of 4 stars). 3 submissions from 3 submitters: Likely benign (3). Last evaluated 2022-10-01.

Allele frequency attached by ClinVar (database versions not stated): 1000 Genomes Project 0.00200; 1000 Genomes Project 30x 0.00203; TOPMed 0.00246; gnomAD 0.00316 and 0.00326; ESP Exome Variant Server 0.00346; gnomAD exomes 0.00350; ExAC 0.00374.
gnomAD v4.1: 6,814 of 1,612,068 alleles (0.42%); highest among the groups gnomAD compares: Non-Finnish European, 0.5%; 17 homozygotes.

Submissions (3):

CeGaT Center for Human Genetics Tuebingen
Classification: Likely benign. Last evaluated: 2022-10-01. Review status: criteria provided, single submitter. Criteria: CeGaT Center For Human Genetics Tuebingen Variant Classification Criteria Version 2. Collection method: clinical testing. Allele origin: germline. Affected: yes. Observed: 1 variant allele.
Comment: PTPRN2: BP4, BS2

Labcorp Genetics (formerly Invitae), Labcorp
Classification: Likely benign. Last evaluated: 2019-12-31. Review status: criteria provided, single submitter. Criteria: Invitae Variant Classification Sherloc (09022015). Collection method: clinical testing. Allele origin: germline.

Breakthrough Genomics
Classification: Likely benign. Review status: criteria provided, single submitter. Criteria: ACMG Guidelines, 2015. Collection method: not provided. Allele origin: germline. Inheritance: Unknown mechanism. Affected: yes.